The following is an entry in ClinVar:

ClinVar aggregate classification (germline): Conflicting classifications of pathogenicity. Review status: criteria provided, conflicting classifications (1 of 4 stars). 4 submissions from 4 submitters: Pathogenic (2); Uncertain significance (1). 1 of the submissions does not count toward it. Last evaluated 2024-07-09.

Conditions:
Hereditary acrodermatitis enteropathica (AEZ). Also called: Acrodermatitis enteropathica. Identifiers: Orphanet 37, MedGen C0221036, MONDO:0008713, OMIM 201100.
SLC39A4-related disorder. Also called: SLC39A4-related condition.

Allele frequency attached by ClinVar (database versions not stated): ExAC 0.00001.
gnomAD v4.1: 4 of 1,605,808 alleles (0.00025%); highest among the groups gnomAD compares: Non-Finnish European, 0.00034%; no homozygotes.

Submissions (4):

Women's Health and Genetics/Laboratory Corporation of America, LabCorp
Classification: Pathogenic for Hereditary acrodermatitis enteropathica. Last evaluated: 2024-07-09. Review status: criteria provided, single submitter. Criteria: LabCorp Variant Classification Summary - May 2015. Collection method: clinical testing. Allele origin: germline.
Comment: Variant summary: SLC39A4 c.1534G>T (p.Gly512Trp) results in a non-conservative amino acid change in the encoded protein sequence. Five of five in-silico tools predict a damaging effect of the variant on protein function. The frequency data for this variant in gnomAD is considered unreliable, as metrics indicate poor data quality at this position. c.1534G>T has been reported in the literature in multiple homozygous individuals affected with Acrodermatitis Enteropathica (Abu-Duhier_2017, Schmitt_2009, Monies_2019). These data indicate that the variant is very likely to be associated with disease. To our knowledge, no experimental evidence demonstrating an impact on protein function has been reported. The following publications have been ascertained in the context of this evaluation (PMID: 30174688, 28188634, 31130284, 19370757). ClinVar contains an entry for this variant (Variation ID: 2503441). Based on the evidence outlined above, the variant was classified as pathogenic.

Genomic Medicine Center of Excellence, King Faisal Specialist Hospital and Research Centre
Classification: Uncertain significance for Hereditary acrodermatitis enteropathica. Last evaluated: 2024-03-26. Review status: criteria provided, single submitter. Criteria: ACMG Guidelines, 2015. Collection method: clinical testing. Allele origin: germline.

Blueprint Genetics
Classification: Pathogenic for SLC39A4-related disorders. Last evaluated: 2023-05-05. Review status: criteria provided, single submitter. Criteria: ACMG Guidelines, 2015. Collection method: clinical testing. Allele origin: germline. Affected: yes. Observed: 3 variant alleles.

Clinical Laboratory Sciences Program (CLSP), King Saud bin Abdulaziz University for Health Sciences (KSAU-HS)
Classification: Uncertain significance for Hereditary acrodermatitis enteropathica. Last evaluated: 2023-04-01. Review status: no assertion criteria provided. Collection method: clinical testing. Allele origin: germline. Affected: yes. Not counted in ClinVar's aggregate classification.

Literature cited by the submitters: PubMed 31130284 (cited by Women's Health and Genetics/Laboratory Corporation of America, LabCorp); PubMed 19370757 (cited by Women's Health and Genetics/Laboratory Corporation of America, LabCorp); PubMed 30174688 (cited by Women's Health and Genetics/Laboratory Corporation of America, LabCorp); PubMed 28188634 (cited by Women's Health and Genetics/Laboratory Corporation of America, LabCorp).

NM_130849.4(SLC39A4):c.1534G>T (p.Gly512Trp)

Genes: SLC39A4 (solute carrier family 39 member 4; minus strand), LOC130001397 (ATAC-STARR-seq lymphoblastoid active region 28098; plus strand). Cytogenetic location: 8q24.3.
Variant type: single nucleotide variant.
Coding change: c.1534G>T on transcript NM_130849.4 (MANE Select); coding-DNA position 1534, G replaced by T.
Protein change: p.Gly512Trp; replaces glycine 512 with tryptophan.
Molecular consequence: missense variant.
Genome position (GRCh38, 1-based): chr8:144,413,330, C>A on the plus strand (G>T on the coding strand, the complement: SLC39A4 is on the minus strand). VCF-style: chr8-144413330-C-A. GRCh37 (hg19) VCF-style: chr8-145638714-C-A.
Other names: c.40G>T, p.Gly14Trp (NM_001280557.2); c.1252G>T, p.Gly418Trp (NM_001374839.1); c.1459G>T, p.Gly487Trp (NM_017767.3); short protein forms G14W, G418W, G487W, G512W.
Identifiers: ClinVar variation 2503441 (VCV002503441.4), dbSNP rs782004000, ClinGen allele CA4941162.